The following is an entry in ClinVar:

NM_014423.4(AFF4):c.1204A>G (p.Met402Val)

Gene: AFF4 (ALF transcription elongation factor 4; minus strand). Cytogenetic location: 5q31.1.
Variant type: single nucleotide variant.
Coding change: c.1204A>G on transcript NM_014423.4 (MANE Select); coding-DNA position 1204, A replaced by G.
Protein change: p.Met402Val; replaces methionine 402 with valine.
Molecular consequence: missense variant.
Genome position (GRCh38, 1-based): chr5:132,899,126, T>C on the plus strand (A>G on the coding strand, the complement: AFF4 is on the minus strand). VCF-style: chr5-132899126-T-C. GRCh37 (hg19) VCF-style: chr5-132234818-T-C.
Other names: c.1204A>G (NM_014423.3); short protein forms M402V.
Identifiers: ClinVar variation 1389457 (VCV001389457.10), dbSNP rs368333989, ClinGen allele CA3409160.

ClinVar aggregate classification (germline): Conflicting classifications of pathogenicity. Review status: criteria provided, conflicting classifications (1 of 4 stars). 3 submissions from 3 submitters: Uncertain significance (1); Likely benign (1). 1 of the submissions does not count toward it. Last evaluated 2025-06-19.

Conditions:
AFF4-related disorder. Also called: AFF4-related condition.
Inborn genetic diseases. Identifiers: MedGen C0950123, MeSH D030342.
Cognitive impairment - coarse facies - heart defects - obesity - pulmonary involvement - short stature - skeletal dysplasia syndrome. Also called: COGNITIVE IMPAIRMENT, COARSE FACIES, HEART DEFECTS, OBESITY, PULMONARY INVOLVEMENT, SHORT STATURE, AND SKELETAL DYSPLASIA; Chops syndrome; AFF4-Related CHOPS Syndrome. Identifiers: Orphanet 444077, MedGen C4085597, MONDO:0014609, OMIM 616368.

Allele frequency attached by ClinVar (database versions not stated): ExAC 0.00005; gnomAD 0.00006 and 0.00007; gnomAD exomes 0.00006 and 0.00010; TOPMed 0.00011; ESP Exome Variant Server 0.00015.
gnomAD v4.1: 165 of 1,613,318 alleles (0.01%); highest among the groups gnomAD compares: South Asian, 0.019%; no homozygotes.

Submissions (3):

Ambry Genetics
Classification: Likely benign for Inborn genetic diseases. Last evaluated: 2025-06-19. Review status: criteria provided, single submitter. Criteria: Ambry Variant Classification Scheme 2023. Collection method: clinical testing. Allele origin: germline.

Labcorp Genetics (formerly Invitae), Labcorp
Classification: Uncertain significance for Cognitive impairment - coarse facies - heart defects - obesity - pulmonary involvement - short stature - skeletal dysplasia syndrome. Last evaluated: 2024-07-10. Review status: criteria provided, single submitter. Criteria: Invitae Variant Classification Sherloc (09022015). Collection method: clinical testing. Allele origin: germline.
Comment: This sequence change replaces methionine, which is neutral and non-polar, with valine, which is neutral and non-polar, at codon 402 of the AFF4 protein (p.Met402Val). This variant is present in population databases (rs368333989, gnomAD 0.02%). This variant has not been reported in the literature in individuals affected with AFF4-related conditions. ClinVar contains an entry for this variant (Variation ID: 1389457). Advanced modeling of protein sequence and biophysical properties (such as structural, functional, and spatial information, amino acid conservation, physicochemical variation, residue mobility, and thermodynamic stability) performed at Invitae indicates that this missense variant is not expected to disrupt AFF4 protein function with a negative predictive value of 80%. In summary, the available evidence is currently insufficient to determine the role of this variant in disease. Therefore, it has been classified as a Variant of Uncertain Significance.

PreventionGenetics, part of Exact Sciences
Classification: Uncertain significance for AFF4-related condition. Last evaluated: 2024-06-18. Review status: no assertion criteria provided. Collection method: clinical testing. Allele origin: germline. Not counted in ClinVar's aggregate classification.
Comment: The AFF4 c.1204A>G variant is predicted to result in the amino acid substitution p.Met402Val. To our knowledge, this variant has not been reported in the literature. This variant is reported in 0.016% of alleles in individuals of South Asian descent in gnomAD. Although we suspect that this variant may be benign, at this time, the clinical significance of this variant is uncertain due to the absence of conclusive functional and genetic evidence.